The following is an entry in ClinVar:

ClinVar aggregate classification (germline): Uncertain significance (1 of 4 stars; one submission).

Conditions:
Hereditary pheochromocytoma and paraganglioma. Also called: Hereditary paragangliomas and pheochromocytomas; Hereditary Paraganglioma-Pheochromocytoma Syndromes; Hereditary pheochromocytoma-paraganglioma. Identifiers: Orphanet 29072, MedGen C4274332, MONDO:0017366.

Submission:

Labcorp Genetics (formerly Invitae), Labcorp
Classification: Uncertain significance for Hereditary pheochromocytoma and paraganglioma. Last evaluated: 2023-06-02. Review status: criteria provided, single submitter. Criteria: Invitae Variant Classification Sherloc (09022015). Collection method: clinical testing. Allele origin: germline.
Comment: In summary, the available evidence is currently insufficient to determine the role of this variant in disease. Therefore, it has been classified as a Variant of Uncertain Significance. An algorithm developed to predict the effect of missense changes on protein structure and function (PolyPhen-2) suggests that this variant is likely to be disruptive. This variant has not been reported in the literature in individuals affected with MAX-related conditions. This variant is not present in population databases (gnomAD no frequency). This sequence change replaces arginine, which is basic and polar, with glutamine, which is neutral and polar, at codon 33 of the MAX protein (p.Arg33Gln).

NM_002382.5(MAX):c.98G>A (p.Arg33Gln)

Genes: MAX (MYC associated transcriptional regulator X; minus strand), MAX-AS1 (MAX antisense RNA 1; plus strand). Cytogenetic location: 14q23.3.
Variant type: single nucleotide variant.
Coding change: c.98G>A on transcript NM_002382.5 (MANE Select); coding-DNA position 98, G replaced by A.
Protein change: p.Arg33Gln; replaces arginine 33 with glutamine.
Molecular consequence: missense variant. On other transcripts: non-coding transcript variant (12), 5 prime UTR variant (6), intron variant (1).
Genome position (GRCh38, 1-based): chr14:65,093,781, C>T on the plus strand (G>A on the coding strand, the complement: MAX is on the minus strand). VCF-style: chr14-65093781-C-T. GRCh37 (hg19) VCF-style: chr14-65560499-C-T.
Other names: c.71G>A, p.Arg24Gln (NM_001271068.2, NM_001271069.2, NM_001407095.1 and 9 more transcripts); c.-177G>A (NM_001320415.2, NM_001407105.1, NM_001407106.1 and 1 more transcripts); c.98G>A, p.Arg33Gln (NM_001407094.1, NM_001407096.1, NM_001407097.1 and 5 more transcripts); c.-270G>A (NM_001407111.1, NM_001407112.1); c.121G>A, p.Glu41Lys (NM_001407114.1); c.63+7765G>A (NM_001407098.1); short protein forms E41K, R24Q, R33Q.
Identifiers: ClinVar variation 2859877 (VCV002859877.3), dbSNP rs2139885819, ClinGen allele CA390037763.